The following is an entry in ClinVar:

NM_001035.3(RYR2):c.364C>T (p.Arg122Cys)

Gene: RYR2 (ryanodine receptor 2; plus strand). Cytogenetic location: 1q43.
Variant type: single nucleotide variant.
Coding change: c.364C>T on transcript NM_001035.3 (MANE Select); coding-DNA position 364, C replaced by T.
Protein change: p.Arg122Cys; replaces arginine 122 with cysteine.
Molecular consequence: missense variant.
Genome position (GRCh38, 1-based): chr1:237,369,588, C>T. VCF-style: chr1-237369588-C-T. GRCh37 (hg19) VCF-style: chr1-237532888-C-T.
Other names: p.R122C:CGC>TGC; short protein forms R122C.
Identifiers: ClinVar variation 43774 (VCV000043774.25), dbSNP rs397516527, ClinGen allele CA009302.

ClinVar aggregate classification (germline): Uncertain significance. Review status: criteria provided, multiple submitters, no conflicts (2 of 4 stars). 10 submissions from 10 submitters: Uncertain significance (10). Last evaluated 2025-12-31.

Conditions:
Catecholaminergic polymorphic ventricular tachycardia 1. Also called: VENTRICULAR TACHYCARDIA, CATECHOLAMINERGIC POLYMORPHIC, 1, WITH OR WITHOUT ATRIAL DYSFUNCTION AND/OR DILATED CARDIOMYOPATHY; VENTRICULAR TACHYCARDIA, STRESS-INDUCED POLYMORPHIC 1; RYR2-Related Catecholaminergic Polymorphic Ventricular Tachycardia. Identifiers: Orphanet 3286, MedGen C1631597, MONDO:0011484, OMIM 604772.
Arrhythmogenic right ventricular dysplasia 2. Identifiers: MedGen C1832931.
Ventricular arrhythmias due to cardiac ryanodine receptor calcium release deficiency syndrome. Also called: Autosomal dominant cardiac arrhythmia (Kuhn). Identifiers: MedGen C5542154, MONDO:0020745, OMIM 115000.
Cardiovascular phenotype. Identifiers: MedGen CN230736.
Cardiomyopathy (CMYO). Also called: Cardiomyopathies. Identifiers: Orphanet 167848, MedGen C0878544, MONDO:0004994, HP:0001638. Inheritance: Various modes of inheritance.
Catecholaminergic polymorphic ventricular tachycardia (CVPT). Also called: Catecholamine-induced polymorphic ventricular tachycardia. Identifiers: Orphanet 3286, MedGen C5574922, MONDO:0017990.

Allele frequency attached by ClinVar (database versions not stated): gnomAD exomes 0.00001 and 0.00002; TOPMed 0.00002.
gnomAD v4.1: 17 of 1,563,054 alleles (0.0011%); highest among the groups gnomAD compares: South Asian, 0.0024%; no homozygotes.

Submissions (10):

Labcorp Genetics (formerly Invitae), Labcorp
Classification: Uncertain significance for Catecholaminergic polymorphic ventricular tachycardia 1. Last evaluated: 2025-12-31. Review status: criteria provided, single submitter. Criteria: Invitae Variant Classification Sherloc (09022015). Collection method: clinical testing. Allele origin: germline.
Comment: This sequence change replaces arginine, which is basic and polar, with cysteine, which is neutral and slightly polar, at codon 122 of the RYR2 protein (p.Arg122Cys). The frequency data for this variant in the population databases is considered unreliable, as metrics indicate poor data quality at this position in the gnomAD database. This missense change has been observed in individual(s) with autosomal dominant RYR2-related conditions (PMID: 35352813). ClinVar contains an entry for this variant (Variation ID: 43774). Invitae Evidence Modeling of protein sequence and biophysical properties (such as structural, functional, and spatial information, amino acid conservation, physicochemical variation, residue mobility, and thermodynamic stability) has been performed for this missense variant. However, the output from this modeling did not meet the statistical confidence thresholds required to predict the impact of this variant on RYR2 protein function. This variant disrupts the p.Arg122 amino acid residue in RYR2. Other variant(s) that disrupt this residue have been observed in individuals with RYR2-related conditions (PMID: 31112425; internal data), which suggests that this may be a clinically significant amino acid residue. In summary, the available evidence is currently insufficient to determine the role of this variant in disease. Therefore, it has been classified as a Variant of Uncertain Significance.

Ambry Genetics
Classification: Uncertain significance for Cardiovascular phenotype. Last evaluated: 2025-01-06. Review status: criteria provided, single submitter. Criteria: Ambry Variant Classification Scheme 2023. Collection method: clinical testing. Allele origin: germline.

All of Us Research Program, National Institutes of Health
Classification: Uncertain significance for Catecholaminergic polymorphic ventricular tachycardia. Last evaluated: 2024-05-14. Review status: criteria provided, single submitter. Criteria: ACMG Guidelines, 2015. Collection method: clinical testing. Allele origin: germline. Inheritance: Autosomal dominant inheritance. Observed: 10 variant alleles, 10 heterozygotes.
Comment: This missense variant replaces arginine with cysteine at codon 122 of the RYR2 protein. Computational prediction suggests that this variant may have deleterious impact on protein structure and function (internally defined REVEL score threshold >= 0.7, PMID: 27666373). To our knowledge, functional studies have not been reported for this variant. This variant has been reported in an individual affected with catecholaminergic polymorphic ventricular tachycardia (PMID: 35352813). This variant has been identified in 4/174666 chromosomes in the general population by the Genome Aggregation Database (gnomAD). The available evidence is insufficient to determine the role of this variant in disease conclusively. Therefore, this variant is classified as a Variant of Uncertain Significance.

This study involves interpretation of variants in research participants for the purpose of population health screening. Participant phenotype was not available at the time of variant classification. Additional details can be found in publication PMID: 35346344, PMCID: PMC8962531

Color Diagnostics, LLC DBA Color Health
Classification: Uncertain significance for Cardiomyopathy. Last evaluated: 2024-02-05. Review status: criteria provided, single submitter. Criteria: ACMG Guidelines, 2015. Collection method: clinical testing. Allele origin: germline.
Comment: This missense variant replaces arginine with cysteine at codon 122 of the RYR2 protein. Computational prediction suggests that this variant may have deleterious impact on protein structure and function (internally defined REVEL score threshold >= 0.7, PMID: 27666373). To our knowledge, functional studies have not been reported for this variant. This variant has been reported in an individual affected with catecholaminergic polymorphic ventricular tachycardia (PMID: 35352813). This variant has been identified in 4/174666 chromosomes in the general population by the Genome Aggregation Database (gnomAD). The available evidence is insufficient to determine the role of this variant in disease conclusively. Therefore, this variant is classified as a Variant of Uncertain Significance.

Women's Health and Genetics/Laboratory Corporation of America, LabCorp
Classification: Uncertain significance. Last evaluated: 2024-01-02. Review status: criteria provided, single submitter. Criteria: LabCorp Variant Classification Summary - May 2015. Collection method: clinical testing. Allele origin: germline.
Comment: Variant summary: RYR2 c.364C>T (p.Arg122Cys) results in a non-conservative amino acid change located in the Inositol 1,4,5-trisphosphate/ryanodine receptor of the encoded protein sequence. Five of five in-silico tools predict a damaging effect of the variant on protein function. The variant allele was found at a frequency of 2.3e-05 in 174666 control chromosomes. The available data on variant occurrences in the general population are insufficient to allow any conclusion about variant significance. c.364C>T has been reported in the literature in an individual affected with unexplained cardiac arrest without strong evidence for causality (Grondin_2022). This report does not provide unequivocal conclusions about association of the variant with Arrhythmia. To our knowledge, no experimental evidence demonstrating an impact on protein function has been reported. Four submitters have cited clinical-significance assessments for this variant to ClinVar after 2014. All submitters classified the variant as uncertain significance. Based on the evidence outlined above, the variant was classified as uncertain significance.

AiLife Diagnostics
Classification: Uncertain significance. Last evaluated: 2021-10-22. Review status: criteria provided, single submitter. Criteria: ACMG Guidelines, 2015. Collection method: clinical testing. Allele origin: germline. Affected: yes. Observed: 3 variant alleles.

Fulgent Genetics
Classification: Uncertain significance for Ventricular arrhythmias due to cardiac ryanodine receptor calcium release deficiency syndrome; Catecholaminergic polymorphic ventricular tachycardia 1. Last evaluated: 2021-08-30. Review status: criteria provided, single submitter. Criteria: ACMG Guidelines, 2015. Collection method: clinical testing. Allele origin: unknown.

Blueprint Genetics
Classification: Uncertain significance. Last evaluated: 2020-06-01. Review status: criteria provided, single submitter. Criteria: ACMG Guidelines, 2015. Collection method: clinical testing. Allele origin: germline.

GeneDx
Classification: Uncertain significance. Last evaluated: 2014-08-20. Review status: criteria provided, single submitter. Criteria: GeneDx Variant Classification (06012015). Collection method: clinical testing. Allele origin: germline. Affected: yes.
Comment: p.Arg122Cys (CGC>TGC): c.364 C>T in exon 6 of the RYR2 gene (NM_001035.2). A variant of unknown significance has been identified in the RYR2 gene. The R122C variant has not been published as a mutation, nor has it been reported as a benign polymorphism to our knowledge. The R122C variant was not observed in approximately 6,000 individuals of European and African American ancestry in the NHLBI Exome Sequencing Project, indicating it is not a common benign variant in these populations. The R122C variant is a non-conservative amino acid substitution, which is likely to impact secondary protein structure as these residues differ in polarity, charge, size and/or other properties. This substitution occurs at a position that is conserved across species. In silico analysis predicts this variant is probably damaging to the protein structure/function. Although missense mutations in nearby residues have not been reported, R122C is located in the N-terminal domain, a mutation hotspot region of the RYR2 gene (Medeiros-Domingo A et al., 2009). Therefore, based on the currently available information, it is unclear whether this variant is a pathogenic mutation or a rare benign variant. The variant is found in ARRHYTHMIA panel(s).

Laboratory for Molecular Medicine, Mass General Brigham Personalized Medicine
Classification: Uncertain significance. Last evaluated: 2012-06-11. Review status: criteria provided, single submitter. Criteria: LMM Criteria. Collection method: clinical testing. Allele origin: germline. Observed: 1 variant allele.
Comment: Variant classified as Uncertain Significance - Favor Benign. Computational analyses (biochemical amino acid prope rties, conservation, AlignGVGD, PolyPhen2, and SIFT) suggest that the Arg122Cys variant may impact the protein, though this information is not predictive enough to determine pathogenicity. In summary, although segregation studies suggest th at this variant may be benign and not causing disease in isolation, we cannot ru le out that this variant may be contributing to disease.

Literature cited by the submitters: PubMed 35352813 (cited by 4 submitters); PubMed 31112425 (cited by Labcorp Genetics (formerly Invitae), Labcorp); PubMed 25901278 (cited by Women's Health and Genetics/Laboratory Corporation of America, LabCorp).